The following is an entry in ClinVar:

NM_001145252.3(CFP):c.200G>A (p.Arg67His)

Gene: CFP (complement factor properdin; minus strand). Cytogenetic location: Xp11.23.
Variant type: single nucleotide variant.
Coding change: c.200G>A on transcript NM_001145252.3 (MANE Select); coding-DNA position 200, G replaced by A.
Protein change: p.Arg67His; replaces arginine 67 with histidine.
Molecular consequence: missense variant.
Genome position (GRCh38, 1-based): chrX:47,629,551, C>T on the plus strand (G>A on the coding strand, the complement: CFP is on the minus strand). VCF-style: chrX-47629551-C-T. GRCh37 (hg19) VCF-style: chrX-47488950-C-T.
Other names: c.200G>A, p.Arg67His (NM_002621.2); short protein forms R67H.
Identifiers: ClinVar variation 1406636 (VCV001406636.8), dbSNP rs370592348, ClinGen allele CA10399008.
Genomic context (GRCh38, chrX:47,629,551, plus strand): 5'-CCCCCCCATCCCCCACCCCAGGCTCCCCCTAACCTGCAAGGCTGACAGAGCCCACCACTA[C>T]GTTTCTGGTAGGCAAAGGCAGTGTTGAGACAGCAGTCTTCCACGCTGACACCACCCCCCA-3'
Protein context (NP_001138724.1, residues 57-77): CLNTAFAYQK[Arg67His]SGGLCQPCRS

ClinVar aggregate classification (germline): Uncertain significance (1 of 4 stars; one submission).

Allele frequency attached by ClinVar (database versions not stated): gnomAD 0.00002; gnomAD exomes 0.00002 and 0.00004; TOPMed 0.00004; ExAC 0.00007; ESP Exome Variant Server 0.00010.
gnomAD v4.1: 20 of 1,115,797 alleles (0.0018%); highest among the groups gnomAD compares: Admixed American, 0.014%; no homozygotes.

Submission:

Labcorp Genetics (formerly Invitae), Labcorp
Classification: Uncertain significance. Last evaluated: 2025-08-25. Review status: criteria provided, single submitter. Criteria: Invitae Variant Classification Sherloc (09022015). Collection method: clinical testing. Allele origin: germline.
Comment: This sequence change replaces arginine, which is basic and polar, with histidine, which is basic and polar, at codon 67 of the CFP protein (p.Arg67His). The frequency data for this variant in the population databases is considered unreliable, as metrics indicate poor data quality at this position in the gnomAD database. This variant has not been reported in the literature in individuals affected with CFP-related conditions. ClinVar contains an entry for this variant (Variation ID: 1406636). Invitae Evidence Modeling of protein sequence and biophysical properties (such as structural, functional, and spatial information, amino acid conservation, physicochemical variation, residue mobility, and thermodynamic stability) indicates that this missense variant is not expected to disrupt CFP protein function with a negative predictive value of 80%. In summary, the available evidence is currently insufficient to determine the role of this variant in disease. Therefore, it has been classified as a Variant of Uncertain Significance.